The following is an entry in ClinVar:

NM_001111125.3(IQSEC2):c.4256A>C (p.His1419Pro)

Gene: IQSEC2 (IQ motif and Sec7 domain ArfGEF 2; minus strand). Cytogenetic location: Xp11.22.
Variant type: single nucleotide variant.
Coding change: c.4256A>C on transcript NM_001111125.3 (MANE Select); coding-DNA position 4256, A replaced by C.
Protein change: p.His1419Pro; replaces histidine 1419 with proline.
Molecular consequence: missense variant. On other transcripts: 3 prime UTR variant (2).
Genome position (GRCh38, 1-based): chrX:53,234,430, T>G on the plus strand (A>C on the coding strand, the complement: IQSEC2 is on the minus strand). VCF-style: chrX-53234430-T-G. GRCh37 (hg19) VCF-style: chrX-53263612-T-G.
Other names: c.*741A>C (NM_001410736.1, NM_015075.2); short protein forms H1419P.
Identifiers: ClinVar variation 3000525 (VCV003000525.17), dbSNP rs868984500, ClinGen allele CA413138934.

ClinVar aggregate classification (germline): Conflicting classifications of pathogenicity. Review status: criteria provided, conflicting classifications (1 of 4 stars). 2 submissions from 2 submitters: Uncertain significance (1); Likely benign (1). Last evaluated 2024-10-01.

Conditions:
Intellectual developmental disorder, X-linked 1. Also called: Atkin Flaitz Patil Smith syndrome; Intellectual disability, X-linked 1; MENTAL RETARDATION, X-LINKED 18; MENTAL RETARDATION, X-LINKED 78. Identifiers: Orphanet 777, MedGen C2931498, MONDO:0010656, OMIM 309530.

Submissions (2):

CeGaT Center for Human Genetics Tuebingen
Classification: Likely benign. Last evaluated: 2024-10-01. Review status: criteria provided, single submitter. Criteria: CeGaT Center For Human Genetics Tuebingen Variant Classification Criteria Version 2. Collection method: clinical testing. Allele origin: germline. Affected: yes. Observed: 1 variant allele.
Comment: IQSEC2: PP2, BS1

Labcorp Genetics (formerly Invitae), Labcorp
Classification: Uncertain significance for Intellectual developmental disorder, X-linked 1. Last evaluated: 2023-01-31. Review status: criteria provided, single submitter. Criteria: Invitae Variant Classification Sherloc (09022015). Collection method: clinical testing. Allele origin: germline.
Comment: In summary, the available evidence is currently insufficient to determine the role of this variant in disease. Therefore, it has been classified as a Variant of Uncertain Significance. Advanced modeling of protein sequence and biophysical properties (such as structural, functional, and spatial information, amino acid conservation, physicochemical variation, residue mobility, and thermodynamic stability) performed at Invitae indicates that this missense variant is not expected to disrupt IQSEC2 protein function. This variant has not been reported in the literature in individuals affected with IQSEC2-related conditions. The frequency data for this variant in the population databases is considered unreliable, as metrics indicate poor data quality at this position in the gnomAD database. This sequence change replaces histidine, which is basic and polar, with proline, which is neutral and non-polar, at codon 1419 of the IQSEC2 protein (p.His1419Pro).